The following is an entry in ClinVar:

ClinVar aggregate classification (germline): not provided (0 of 4 stars; one submission).

Conditions:
Familial long QT syndrome (RWS). Also called: Congenital long QT syndrome; Romano-Ward syndrome; VENTRICULAR FIBRILLATION WITH PROLONGED QT INTERVAL. Identifiers: Orphanet 768, MedGen C1141890, MONDO:0019171.

Submission:

Cardiovascular Biomedical Research Unit, Royal Brompton & Harefield NHS Foundation Trust
No classification provided. Condition: Familial long QT syndrome. Review status: no classification provided. Collection method: literature only. Allele origin: germline.
Comment: This variant has been reported as associated with Long QT syndrome in the following publications (PMID:12442276;PMID:19167356). This is a literature report, and does not necessarily reflect the clinical interpretation of the Imperial College / Royal Brompton Cardiovascular Genetics laboratory.

Literature cited by the submitters: PubMed 12442276; PubMed 19167356; PubMed 22581653.

NM_000218.3(KCNQ1):c.824T>C (p.Phe275Ser)

Gene: KCNQ1 (potassium voltage-gated channel subfamily Q member 1; plus strand). Cytogenetic location: 11p15.5.
Variant type: single nucleotide variant.
Coding change: c.824T>C on transcript NM_000218.3 (MANE Select); coding-DNA position 824, T replaced by C.
Protein change: p.Phe275Ser; replaces phenylalanine 275 with serine.
Molecular consequence: missense variant.
Genome position (GRCh38, 1-based): chr11:2,572,889, T>C. VCF-style: chr11-2572889-T-C. GRCh37 (hg19) VCF-style: chr11-2594119-T-C.
Other names: c.824T>C (LRG_287t1); c.824T>C, p.Phe275Ser (NM_001406836.1); c.554T>C, p.Phe185Ser (NM_001406837.1); c.443T>C, p.Phe148Ser (NM_181798.2); short protein forms F275S, F148S, F185S.
Identifiers: ClinVar variation 53111 (VCV000053111.3), dbSNP rs199472729, ClinGen allele CA008374.
Genomic context (GRCh38, chr11:2,572,889, plus strand): 5'-TGTGTTTTCTGGCCTAGGAGCTGATAACCACCCTGTACATCGGCTTCCTGGGCCTCATCT[T>C]CTCCTCGTACTTTGTGTACCTGGCTGAGAAGGACGCGGTGAACGAGTCAGGCCGCGTGGA-3'
Protein context (NP_000209.2, residues 265-285): TLYIGFLGLI[Phe275Ser]SSYFVYLAEK